The following is an entry in ClinVar:

NM_001220.5(CAMK2B):c.1127C>T (p.Ala376Val)

Gene: CAMK2B (calcium/calmodulin dependent protein kinase II beta; minus strand). Cytogenetic location: 7p13.
Variant type: single nucleotide variant.
Coding change: c.1127C>T on transcript NM_001220.5 (MANE Select); coding-DNA position 1127, C replaced by T.
Protein change: p.Ala376Val; replaces alanine 376 with valine.
Molecular consequence: missense variant. On other transcripts: intron variant (3).
Genome position (GRCh38, 1-based): chr7:44,234,394, G>A on the plus strand (C>T on the coding strand, the complement: CAMK2B is on the minus strand). VCF-style: chr7-44234394-G-A. GRCh37 (hg19) VCF-style: chr7-44273993-G-A.
Other names: c.1127C>T, p.Ala376Val (NM_001293170.2, NM_172078.3); c.1055C>T, p.Ala352Val (NM_172079.3, NM_172081.3); c.1052C>T, p.Ala351Val (NM_172080.3); c.946+6313C>T (NM_172084.3); c.987+245C>T (NM_172083.3); c.1059+245C>T (NM_172082.3); short protein forms A351V, A352V, A376V.
Identifiers: ClinVar variation 3376326 (VCV003376326.1).
Genomic context (GRCh38, chr7:44,234,394, plus strand): 5'-TCACACAGCCAGGGGCGTAGGAGGGGCTGAGAGGCAGAATTTGAGGAGCTCAGTACCAGG[G>A]CGGCAGGAGGAAGCGTCCCTTTGGGGCTGGTGGCGGCTGCACTGTTTTTGGTGCTATTCG-3'
Protein context (NP_001211.3, residues 366-386): TSPKGTLPPA[Ala376Val]LEPQTTVIHN

ClinVar aggregate classification (germline): Uncertain significance (1 of 4 stars; one submission).

Conditions:
Intellectual developmental disorder, autosomal dominant 54. Also called: MENTAL RETARDATION, AUTOSOMAL DOMINANT 54; Intellectual disability, autosomal dominant 54. Identifiers: MedGen C4540484, MONDO:0030920, OMIM 617799.

Submission:

Pittsburgh Clinical Genomics Laboratory, University of Pittsburgh Medical Center
Classification: Uncertain significance for Intellectual developmental disorder, autosomal dominant 54. Last evaluated: 2023-05-12. Review status: criteria provided, single submitter. Criteria: ACMG Guidelines, 2015. Collection method: clinical testing. Allele origin: germline. Inheritance: Autosomal dominant inheritance. Affected: yes.
Comment: This sequence variant is a single nucleotide substitution (C>T) at position 1127 of the coding sequence of the CAMK2B gene that results in an alanine to valine amino acid change at residue 376 of the CAMK2B-encoded calcium/calmodulin dependent protein kise II beta protein. This is a mosaic variant with 20% allele fraction. This variant is absent from the gnomAD population database (0/~179500 alleles). Bioinformatic tools are inconclusive if this amino acid change is likely to be damaging or tolerated, and the Ala376 residue at this position is highly conserved across the vertebrate species examined. Studies examining the functiol consequence of this variant have not been performed, to our knowledge. At this time, there is insufficient evidence to determine if this variant is pathogenic or benign. Therefore, we consider it to be a variant of uncertain significance. ACMG Criteria: PM2